The following is an entry in ClinVar:

NM_001447.3(FAT2):c.9401T>C (p.Val3134Ala)

Genes: FAT2 (FAT atypical cadherin 2; minus strand), SLC36A1 (solute carrier family 36 member 1; plus strand). Cytogenetic location: 5q33.1.
Variant type: single nucleotide variant.
Coding change: c.9401T>C on transcript NM_001447.3 (MANE Select); coding-DNA position 9401, T replaced by C.
Protein change: p.Val3134Ala; replaces valine 3134 with alanine.
Molecular consequence: missense variant.
Genome position (GRCh38, 1-based): chr5:151,534,435, A>G on the plus strand (T>C on the coding strand, the complement: FAT2 is on the minus strand). VCF-style: chr5-151534435-A-G. GRCh37 (hg19) VCF-style: chr5-150913996-A-G.
Other names: short protein forms V3134A.
Identifiers: ClinVar variation 2969243 (VCV002969243.3), dbSNP rs200991230, ClinGen allele CA361828030.

ClinVar aggregate classification (germline): Uncertain significance (1 of 4 stars; one submission).

Submission:

Labcorp Genetics (formerly Invitae), Labcorp
Classification: Uncertain significance. Last evaluated: 2023-01-25. Review status: criteria provided, single submitter. Criteria: Invitae Variant Classification Sherloc (09022015). Collection method: clinical testing. Allele origin: germline.
Comment: This variant is not present in population databases (gnomAD no frequency). This sequence change replaces valine, which is neutral and non-polar, with alanine, which is neutral and non-polar, at codon 3134 of the FAT2 protein (p.Val3134Ala). This variant has not been reported in the literature in individuals affected with FAT2-related conditions. In summary, the available evidence is currently insufficient to determine the role of this variant in disease. Therefore, it has been classified as a Variant of Uncertain Significance. Algorithms developed to predict the effect of missense changes on protein structure and function (SIFT, PolyPhen-2, Align-GVGD) all suggest that this variant is likely to be disruptive.